The following is an entry in ClinVar:

ClinVar aggregate classification (germline): Uncertain significance (1 of 4 stars; one submission).

Submission:

Labcorp Genetics (formerly Invitae), Labcorp
Classification: Uncertain significance. Last evaluated: 2022-10-27. Review status: criteria provided, single submitter. Criteria: Invitae Variant Classification Sherloc (09022015). Collection method: clinical testing. Allele origin: germline.
Comment: In summary, the available evidence is currently insufficient to determine the role of this variant in disease. Therefore, it has been classified as a Variant of Uncertain Significance. Advanced modeling of protein sequence and biophysical properties (such as structural, functional, and spatial information, amino acid conservation, physicochemical variation, residue mobility, and thermodynamic stability) performed at Invitae indicates that this missense variant is expected to disrupt COL4A3 protein function. This variant has not been reported in the literature in individuals affected with COL4A3-related conditions. This variant is not present in population databases (gnomAD no frequency). This sequence change replaces glycine, which is neutral and non-polar, with glutamic acid, which is acidic and polar, at codon 804 of the COL4A3 protein (p.Gly804Glu).

NM_000091.5(COL4A3):c.2411G>A (p.Gly804Glu)

Genes: COL4A3 (collagen type IV alpha 3 chain; plus strand), MFF-DT (MFF divergent transcript; minus strand). Cytogenetic location: 2q36.3.
Variant type: single nucleotide variant.
Coding change: c.2411G>A on transcript NM_000091.5 (MANE Select); coding-DNA position 2411, G replaced by A.
Protein change: p.Gly804Glu; replaces glycine 804 with glutamic acid.
Molecular consequence: missense variant.
Genome position (GRCh38, 1-based): chr2:227,280,929, G>A. VCF-style: chr2-227280929-G-A. GRCh37 (hg19) VCF-style: chr2-228145645-G-A.
Other names: short protein forms G804E.
Identifiers: ClinVar variation 1720884 (VCV001720884.6), dbSNP rs2106154204, ClinGen allele CA350849433.